The following is an entry in ClinVar:

ClinVar aggregate classification (germline): Uncertain significance. Review status: criteria provided, multiple submitters, no conflicts (2 of 4 stars). 4 submissions from 4 submitters: Uncertain significance (4). Last evaluated 2022-02-22.

Conditions:
3M syndrome 2. Also called: 3-M Syndrome, OBSL1-Related; THREE M SYNDROME 2. Identifiers: Orphanet 2616, MedGen C2752041, MONDO:0013039, OMIM 612921.
Inborn genetic diseases. Identifiers: MedGen C0950123, MeSH D030342.

Allele frequency attached by ClinVar (database versions not stated): gnomAD 0.00004; ExAC 0.00006; ESP Exome Variant Server 0.00008; TOPMed 0.00010; gnomAD exomes 0.00017.

Submissions (4):

Labcorp Genetics (formerly Invitae), Labcorp
Classification: Uncertain significance. Last evaluated: 2022-02-22. Review status: criteria provided, single submitter. Criteria: Invitae Variant Classification Sherloc (09022015). Collection method: clinical testing. Allele origin: germline.
Comment: This sequence change replaces arginine, which is basic and polar, with tryptophan, which is neutral and slightly polar, at codon 1332 of the OBSL1 protein (p.Arg1332Trp). The frequency data for this variant in the population databases is considered unreliable, as metrics indicate poor data quality at this position in the gnomAD database. This variant has not been reported in the literature in individuals affected with OBSL1-related conditions. ClinVar contains an entry for this variant (Variation ID: 1030488). Algorithms developed to predict the effect of missense changes on protein structure and function are either unavailable or do not agree on the potential impact of this missense change (SIFT: "Deleterious"; PolyPhen-2: "Probably Damaging"; Align-GVGD: "Class C0"). In summary, the available evidence is currently insufficient to determine the role of this variant in disease. Therefore, it has been classified as a Variant of Uncertain Significance.

Ambry Genetics
Classification: Uncertain significance for Inborn genetic diseases. Last evaluated: 2021-08-23. Review status: criteria provided, single submitter. Criteria: Ambry Variant Classification Scheme 2023. Collection method: clinical testing. Allele origin: germline.

Revvity Omics, Revvity
Classification: Uncertain significance for 3M syndrome 2. Last evaluated: 2021-04-24. Review status: criteria provided, single submitter. Criteria: ACMG Guidelines, 2015. Collection method: clinical testing. Allele origin: germline.

Baylor Genetics
Classification: Uncertain significance for 3M syndrome 2. Last evaluated: 2020-08-01. Review status: criteria provided, single submitter. Criteria: ACMG Guidelines, 2015. Collection method: clinical testing. Allele origin: unknown. Affected: yes.
Comment: This variant was determined to be of uncertain significance according to ACMG Guidelines, 2015 [PMID:25741868].

NM_015311.3(OBSL1):c.3994C>T (p.Arg1332Trp)

Gene: OBSL1 (obscurin like cytoskeletal adaptor 1; minus strand). Cytogenetic location: 2q35.
Variant type: single nucleotide variant.
Coding change: c.3994C>T on transcript NM_015311.3 (MANE Select); coding-DNA position 3994, C replaced by T.
Protein change: p.Arg1332Trp; replaces arginine 1332 with tryptophan.
Molecular consequence: missense variant.
Genome position (GRCh38, 1-based): chr2:219,557,415, G>A on the plus strand (C>T on the coding strand, the complement: OBSL1 is on the minus strand). VCF-style: chr2-219557415-G-A. GRCh37 (hg19) VCF-style: chr2-220422137-G-A.
Other names: c.3994C>T, p.Arg1332Trp (NM_001173431.2); short protein forms R1332W.
Identifiers: ClinVar variation 1030488 (VCV001030488.6), dbSNP rs200837976, ClinGen allele CA2130700.